The following is an entry in ClinVar:

NM_015346.4(ZFYVE26):c.4360G>T (p.Ala1454Ser)

Gene: ZFYVE26 (zinc finger FYVE-type containing 26; minus strand). Cytogenetic location: 14q24.1.
Variant type: single nucleotide variant.
Coding change: c.4360G>T on transcript NM_015346.4 (MANE Select); coding-DNA position 4360, G replaced by T.
Protein change: p.Ala1454Ser; replaces alanine 1454 with serine.
Molecular consequence: missense variant.
Genome position (GRCh38, 1-based): chr14:67,782,792, C>A on the plus strand (G>T on the coding strand, the complement: ZFYVE26 is on the minus strand). VCF-style: chr14-67782792-C-A. GRCh37 (hg19) VCF-style: chr14-68249509-C-A.
Other names: short protein forms A1454S.
Identifiers: ClinVar variation 2782629 (VCV002782629.3), dbSNP rs2502804626, ClinGen allele CA390169981.

ClinVar aggregate classification (germline): Uncertain significance (1 of 4 stars; one submission).

Conditions:
Spastic paraplegia. Identifiers: MedGen C0037772, HP:0001258.

Submission:

Labcorp Genetics (formerly Invitae), Labcorp
Classification: Uncertain significance for Spastic paraplegia. Last evaluated: 2023-09-08. Review status: criteria provided, single submitter. Criteria: Invitae Variant Classification Sherloc (09022015). Collection method: clinical testing. Allele origin: germline.
Comment: This variant has not been reported in the literature in individuals affected with ZFYVE26-related conditions. An algorithm developed to predict the effect of missense changes on protein structure and function (PolyPhen-2) suggests that this variant is likely to be disruptive. In summary, the available evidence is currently insufficient to determine the role of this variant in disease. Therefore, it has been classified as a Variant of Uncertain Significance. This variant is not present in population databases (gnomAD no frequency). This sequence change replaces alanine, which is neutral and non-polar, with serine, which is neutral and polar, at codon 1454 of the ZFYVE26 protein (p.Ala1454Ser).